The following is an entry in ClinVar:

NM_001376.5(DYNC1H1):c.4784A>G (p.Gln1595Arg)

Gene: DYNC1H1 (dynein cytoplasmic 1 heavy chain 1; plus strand). Cytogenetic location: 14q32.31.
Variant type: single nucleotide variant.
Coding change: c.4784A>G on transcript NM_001376.5 (MANE Select); coding-DNA position 4784, A replaced by G.
Protein change: p.Gln1595Arg; replaces glutamine 1595 with arginine.
Molecular consequence: missense variant.
Genome position (GRCh38, 1-based): chr14:102,002,866, A>G. VCF-style: chr14-102002866-A-G. GRCh37 (hg19) VCF-style: chr14-102469203-A-G.
Other names: short protein forms Q1595R.
Identifiers: ClinVar variation 2036976 (VCV002036976.4), dbSNP rs2503734314, ClinGen allele CA391043512.

ClinVar aggregate classification (germline): Uncertain significance (1 of 4 stars; one submission).

Conditions:
Charcot-Marie-Tooth disease axonal type 2O. Also called: Charcot-Marie-Tooth Neuropathy Type 2O; Charcot-Marie-Tooth disease, axonal, type 20; CHARCOT-MARIE-TOOTH NEUROPATHY, AXONAL, TYPE 2O; CHARCOT-MARIE-TOOTH DISEASE, AXONAL, AUTOSOMAL DOMINANT, TYPE 2O. Identifiers: Orphanet 284232, MedGen C3280220, MONDO:0013644, OMIM 614228.

Allele frequency attached by ClinVar (database versions not stated): gnomAD exomes below 0.00001.
gnomAD v4.1: 1 of 1,614,276 alleles (0.000062%); highest among the groups gnomAD compares: Non-Finnish European, 0.000085%; no homozygotes.

Submission:

Labcorp Genetics (formerly Invitae), Labcorp
Classification: Uncertain significance for Charcot-Marie-Tooth disease axonal type 2O. Last evaluated: 2022-11-08. Review status: criteria provided, single submitter. Criteria: Invitae Variant Classification Sherloc (09022015). Collection method: clinical testing. Allele origin: germline.
Comment: In summary, the available evidence is currently insufficient to determine the role of this variant in disease. Therefore, it has been classified as a Variant of Uncertain Significance. Advanced modeling of protein sequence and biophysical properties (such as structural, functional, and spatial information, amino acid conservation, physicochemical variation, residue mobility, and thermodynamic stability) has been performed at Invitae for this missense variant, however the output from this modeling did not meet the statistical confidence thresholds required to predict the impact of this variant on DYNC1H1 protein function. This variant has not been reported in the literature in individuals affected with DYNC1H1-related conditions. This variant is not present in population databases (gnomAD no frequency). This sequence change replaces glutamine, which is neutral and polar, with arginine, which is basic and polar, at codon 1595 of the DYNC1H1 protein (p.Gln1595Arg).